The following is an entry in ClinVar:

NM_001360.3(DHCR7):c.207T>A (p.Thr69=)

Gene: DHCR7 (7-dehydrocholesterol reductase; minus strand). Cytogenetic location: 11q13.4.
Variant type: single nucleotide variant.
Coding change: c.207T>A on transcript NM_001360.3 (MANE Select); coding-DNA position 207, T replaced by A.
Protein change: p.Thr69=; no amino-acid change (threonine 69 retained).
Molecular consequence: synonymous variant.
Genome position (GRCh38, 1-based): chr11:71,444,107, A>T on the plus strand (T>A on the coding strand, the complement: DHCR7 is on the minus strand). VCF-style: chr11-71444107-A-T. GRCh37 (hg19) VCF-style: chr11-71155153-A-T.
Other names: c.207T>A, p.Thr69= (NM_001163817.2, NM_001425107.1, NM_001425108.1 and 8 more transcripts); c.111T>A, p.Thr37= (NM_001425113.1, NM_001425114.1, NM_001425116.1); c.33T>A, p.Thr11= (NM_001425117.1).
Identifiers: ClinVar variation 4980729 (VCV004980729.2).

ClinVar aggregate classification (germline): Likely benign. Review status: criteria provided, multiple submitters, no conflicts (2 of 4 stars). 2 submissions from 2 submitters: Likely benign (2). Last evaluated 2026-07-01.

Conditions:
DHCR7-related disorder. Also called: DHCR7-related condition.

gnomAD v4.1: 3 of 1,612,384 alleles (0.00019%); no homozygotes.

Submissions (2):

CeGaT Center for Human Genetics Tuebingen
Classification: Likely benign. Last evaluated: 2026-07-01. Review status: criteria provided, single submitter. Criteria: CeGaT Center For Human Genetics Tuebingen Variant Classification Criteria Version 2. Collection method: clinical testing. Allele origin: germline. Affected: yes. Observed: 1 variant allele.
Comment: DHCR7: BP4, BP7

PreventionGenetics, part of Exact Sciences
Classification: Likely benign for DHCR7-related condition. Last evaluated: 2024-12-14. Review status: criteria provided, single submitter. Criteria: ACMG Guidelines, 2015. Collection method: clinical testing. Allele origin: germline.
Comment: This variant is classified as likely benign based on ACMG/AMP sequence variant interpretation guidelines (Richards et al. 2015 PMID: 25741868, with internal and published modifications).